The following is an entry in ClinVar:

NM_001267550.2(TTN):c.25063+3dup

Gene: TTN (titin; minus strand). Cytogenetic location: 2q31.2.
Variant type: Duplication.
Coding change: c.25063+3dup on transcript NM_001267550.2 (MANE Select); 3 bases into the intron after coding-DNA position 25063, one base duplicated (G; older notation c.25063+3dupG).
Molecular consequence: intron variant.
Genome position (GRCh38, 1-based): chr2:178,717,940, C duplicated on the plus strand (G on the coding strand, the reverse complement: TTN is on the minus strand). VCF-style (leftmost placement, unchanged base first): chr2-178717939-T-TC. GRCh37 (hg19) VCF-style: chr2-179582666-T-TC.
Other names: c.13282+20142dup (NM_003319.4); c.13858+20142dup (NM_133437.4); c.13657+20142dup (NM_133432.3); c.21331+3dup (NM_133378.4); c.24112+3dup (NM_001256850.1).
Identifiers: ClinVar variation 4785769 (VCV004785769.1).

ClinVar aggregate classification (germline): Uncertain significance (1 of 4 stars; one submission).

Conditions:
Autosomal recessive limb-girdle muscular dystrophy type 2J (LGMDR10). Also called: Limb-girdle muscular dystrophy, type 2J; MUSCULAR DYSTROPHY, LIMB-GIRDLE, AUTOSOMAL RECESSIVE 10. Identifiers: Orphanet 140922, MedGen C1837342, MONDO:0012127, OMIM 608807.
Dilated cardiomyopathy 1G (CMD1G). Identifiers: Orphanet 154, MedGen C1858763, MONDO:0011400, OMIM 604145.

Submission:

Labcorp Genetics (formerly Invitae), Labcorp
Classification: Uncertain significance for Dilated cardiomyopathy 1G; Autosomal recessive limb-girdle muscular dystrophy type 2J. Last evaluated: 2025-09-15. Review status: criteria provided, single submitter. Criteria: Invitae Variant Classification Sherloc (09022015). Collection method: clinical testing. Allele origin: germline.
Comment: This sequence change falls in intron 86 of the TTN gene. It does not directly change the encoded amino acid sequence of the TTN protein. It affects a nucleotide within the consensus splice site. This variant is not present in population databases (gnomAD no frequency). This variant has not been reported in the literature in individuals affected with TTN-related conditions. Variants that disrupt the consensus splice site are a relatively common cause of aberrant splicing (PMID: 17576681, 9536098). Algorithms developed to predict the effect of sequence changes on RNA splicing suggest that this variant may disrupt the consensus splice site. This variant is located in the I band of TTN (PMID: 25589632). Non-truncating variants in this region may be clinically relevant, but have not been definitively shown to cause cardiomyopathy or neuromuscular disease (PMID: 27493940, 32778822). In summary, the available evidence is currently insufficient to determine the role of this variant in disease. Therefore, it has been classified as a Variant of Uncertain Significance.

Literature cited by the submitters: PubMed 17576681; PubMed 9536098; PubMed 25589632; PubMed 27493940; PubMed 32778822.